The following is an entry in ClinVar:

NM_002133.3(HMOX1):c.73C>T (p.His25Tyr)

Gene: HMOX1 (heme oxygenase 1; plus strand). Cytogenetic location: 22q12.3.
Variant type: single nucleotide variant.
Coding change: c.73C>T on transcript NM_002133.3 (MANE Select); coding-DNA position 73, C replaced by T.
Protein change: p.His25Tyr; replaces histidine 25 with tyrosine.
Molecular consequence: missense variant.
Genome position (GRCh38, 1-based): chr22:35,383,155, C>T. VCF-style: chr22-35383155-C-T. GRCh37 (hg19) VCF-style: chr22-35779148-C-T.
Other names: short protein forms H25Y.
Identifiers: ClinVar variation 3366998 (VCV003366998.1).

ClinVar aggregate classification (germline): Uncertain significance (1 of 4 stars; one submission).

Conditions:
Heme oxygenase 1 deficiency (HMOX1D). Identifiers: Orphanet 562509, MedGen C1841651, MONDO:0013536, OMIM 614034.

Submission:

Neuberg Centre For Genomic Medicine, NCGM
Classification: Uncertain significance for Heme oxygenase 1 deficiency. Last evaluated: 2023-05-20. Review status: criteria provided, single submitter. Criteria: ACMG Guidelines, 2015. Collection method: clinical testing. Allele origin: germline. Inheritance: Autosomal recessive inheritance. Affected: yes.
Comment: The missense c.73C>T (p.His25Tyr) variant in the HMOX1 gene has not been reported previously as a pathogenic variant nor as a benign variant, to our knowledge. This variant is absent in the gnomAD Exomes. The amino acid Histidine at position 25 is changed to a Tyrosine changing protein sequence and it might alter its composition and physico-chemical properties. Multiple lines of computational evidence (Polyphen - Probably damaging, SIFT – Damaging and MutationTaster - Disease causing predict a damaging effect on protein structure and function for this variant. The amino acid cange p.His25Tyr in HMOX1 is predicted as conserved by GERP++ and PhyloP across 100 vertebrates. For these reasons, this variant has been classified as Uncertain Significance.